The following is an entry in ClinVar:

NM_025074.7(FRAS1):c.5285T>G (p.Leu1762Ter)

Gene: FRAS1 (Fraser extracellular matrix complex subunit 1; plus strand). Cytogenetic location: 4q21.21.
Variant type: single nucleotide variant.
Coding change: c.5285T>G on transcript NM_025074.7 (MANE Select); coding-DNA position 5285, T replaced by G.
Protein change: p.Leu1762Ter; replaces leucine 1762 with a stop codon.
Molecular consequence: nonsense.
Genome position (GRCh38, 1-based): chr4:78,438,637, T>G. VCF-style: chr4-78438637-T-G. GRCh37 (hg19) VCF-style: chr4-79359791-T-G.
Other names: c.5285T>G, p.Leu1762Ter (NM_001166133.2); short protein forms L1762*.
Identifiers: ClinVar variation 4734984 (VCV004734984.1).
Genomic context (GRCh38, chr4:78,438,637, plus strand): 5'-CTTCCCCCGACCCAGAGATCTGGATTCAGTTAAATTATCTGCCCTCATATGGTACTCTCT[T>G]AAGAATCTCAGGATCTGAGGTGGAAGAGCTCTCAGAAGTTTCCAATTTCACAATGGAAGA-3'

ClinVar aggregate classification (germline): Pathogenic (1 of 4 stars; one submission).

Submission:

Labcorp Genetics (formerly Invitae), Labcorp
Classification: Pathogenic. Last evaluated: 2026-01-09. Review status: criteria provided, single submitter. Criteria: Invitae Variant Classification Sherloc (09022015). Collection method: clinical testing. Allele origin: germline.
Comment: This sequence change creates a premature translational stop signal (p.Leu1762*) in the FRAS1 gene. It is expected to result in an absent or disrupted protein product. Loss-of-function variants in FRAS1 are known to be pathogenic (PMID: 12766769, 18671281). This variant is not present in population databases (gnomAD no frequency). This variant has not been reported in the literature in individuals affected with FRAS1-related conditions. For these reasons, this variant has been classified as Pathogenic.

Literature cited by the submitters: PubMed 12766769; PubMed 18671281.